The following is an entry in ClinVar:

ClinVar aggregate classification (germline): Benign. Review status: criteria provided, multiple submitters, no conflicts (2 of 4 stars). 6 submissions from 6 submitters: Benign (6). Last evaluated 2026-02-04.

Conditions:
Pontocerebellar hypoplasia type 2E. Identifiers: Orphanet 247198, MedGen C4014488, MONDO:0014370, OMIM 615851.

Allele frequency attached by ClinVar (database versions not stated): gnomAD exomes 0.24232 and 0.27906; ExAC 0.27844; gnomAD 0.33376 and 0.33961; ESP Exome Variant Server 0.33423; 1000 Genomes Project 0.34864; TOPMed 0.35474; 1000 Genomes Project 30x 0.35681.
gnomAD v4.1: 405,977 of 1,613,580 alleles (25%); highest among the groups gnomAD compares: African/African-American, 55%; 56,661 homozygotes.

Submissions (6):

Labcorp Genetics (formerly Invitae), Labcorp
Classification: Benign. Last evaluated: 2026-02-04. Review status: criteria provided, single submitter. Criteria: Invitae Variant Classification Sherloc (09022015). Collection method: clinical testing. Allele origin: germline.

Blueprint Genetics
Classification: Benign. Last evaluated: 2024-11-28. Review status: criteria provided, single submitter. Criteria: ACMG Guidelines, 2015. Collection method: clinical testing. Allele origin: germline.

Genome-Nilou Lab
Classification: Benign for Pontocerebellar hypoplasia type 2E. Last evaluated: 2021-07-14. Review status: criteria provided, single submitter. Criteria: ACMG Guidelines, 2015. Collection method: clinical testing. Allele origin: germline. Affected: no.

Women's Health and Genetics/Laboratory Corporation of America, LabCorp
Classification: Benign. Last evaluated: 2021-04-30. Review status: criteria provided, single submitter. Criteria: LabCorp Variant Classification Summary - May 2015. Collection method: clinical testing. Allele origin: germline.

GeneDx
Classification: Benign. Last evaluated: 2016-01-08. Review status: criteria provided, single submitter. Criteria: GeneDx Variant Classification (06012015). Collection method: clinical testing. Allele origin: germline. Affected: yes.
Comment: This variant is considered likely benign or benign based on one or more of the following criteria: it is a conservative change, it occurs at a poorly conserved position in the protein, it is predicted to be benign by multiple in silico algorithms, and/or has population frequency not consistent with disease.

Breakthrough Genomics
Classification: Benign. Review status: criteria provided, single submitter. Criteria: ACMG Guidelines, 2015. Collection method: not provided. Allele origin: germline. Inheritance: Autosomal recessive inheritance. Affected: yes.

NM_001128159.3(VPS53):c.1524C>T (p.Tyr508=)

Gene: VPS53 (VPS53 subunit of GARP complex; minus strand). Cytogenetic location: 17p13.3.
Variant type: single nucleotide variant.
Coding change: c.1524C>T on transcript NM_001128159.3 (MANE Select); coding-DNA position 1524, C replaced by T.
Protein change: p.Tyr508=; no amino-acid change (tyrosine 508 retained).
Molecular consequence: synonymous variant.
Genome position (GRCh38, 1-based): chr17:562,535, G>A on the plus strand (C>T on the coding strand, the complement: VPS53 is on the minus strand). VCF-style: chr17-562535-G-A. GRCh37 (hg19) VCF-style: chr17-465775-G-A.
Other names: c.1524C>T, p.Tyr508= (NM_001366253.2); c.930C>T, p.Tyr310= (NM_001366254.2); c.1437C>T, p.Tyr479= (NM_018289.4).
Identifiers: ClinVar variation 380878 (VCV000380878.12), dbSNP rs2075443, ClinGen allele CA8261380.